The following is an entry in ClinVar:

ClinVar aggregate classification (germline): Benign/Likely benign. Review status: criteria provided, multiple submitters, no conflicts (2 of 4 stars). 14 submissions from 10 submitters: Benign (9); Likely benign (5). Last evaluated 2026-07-01.

Conditions:
FGFR2-related craniosynostosis. Identifiers: MedGen CN231480.
Craniosynostosis syndrome. Also called: Craniosynostosis. Identifiers: Orphanet 1531, MedGen C0010278, MeSH D003398, MONDO:0015469, HP:0001363.
Isolated Coronal Synostosis. Identifiers: MedGen CN043619.
Crouzon syndrome. Also called: CRANIOFACIAL DYSOSTOSIS, TYPE I; Craniofacial dysostosis type 1; Crouzon craniofacial dysostosis; Crouzon disease; Craniofacial dysostosis. Identifiers: Orphanet 207, MedGen C0010273, MeSH D003394, MONDO:0007405, OMIM 123500, HP:0004439.
Beare-Stevenson cutis gyrata syndrome (BSTVS). Identifiers: Orphanet 1555, MedGen C1852406, MONDO:0007412, OMIM 123790.
Saethre-Chotzen syndrome (SCS). Also called: CHOTZEN SYNDROME; ACROCEPHALY, SKULL ASYMMETRY, AND MILD SYNDACTYLY; ACS III. Identifiers: Orphanet 794, MedGen C0175699, MONDO:0007042, OMIM 101400.

Allele frequency attached by ClinVar (database versions not stated): 1000 Genomes Project 0.00220; 1000 Genomes Project 30x 0.00250; ESP Exome Variant Server 0.00277; TOPMed 0.00297; gnomAD 0.00399 and 0.00414.
gnomAD v4.1: 6,313 of 1,614,190 alleles (0.39%); highest among the groups gnomAD compares: Non-Finnish European, 0.43%; 12 homozygotes.

Submissions (14):

CeGaT Center for Human Genetics Tuebingen
Classification: Likely benign. Last evaluated: 2026-07-01. Review status: criteria provided, single submitter. Criteria: CeGaT Center For Human Genetics Tuebingen Variant Classification Criteria Version 2. Collection method: clinical testing. Allele origin: germline. Affected: yes. Observed: 10 variant alleles.
Comment: FGFR2: BP4, BP7, BS1

Women's Health and Genetics/Laboratory Corporation of America, LabCorp
Classification: Benign. Last evaluated: 2026-05-12. Review status: criteria provided, single submitter. Criteria: LabCorp Variant Classification Summary - May 2015. Collection method: clinical testing. Allele origin: germline.

Labcorp Genetics (formerly Invitae), Labcorp
Classification: Benign for FGFR2-related craniosynostosis. Last evaluated: 2026-01-21. Review status: criteria provided, single submitter. Criteria: Invitae Variant Classification Sherloc (09022015). Collection method: clinical testing. Allele origin: germline.

Blueprint Genetics
Classification: Likely benign. Last evaluated: 2024-11-20. Review status: criteria provided, single submitter. Criteria: ACMG Guidelines, 2015. Collection method: clinical testing. Allele origin: germline.

ARUP Laboratories, Molecular Genetics and Genomics, ARUP Laboratories
Classification: Benign. Last evaluated: 2023-09-05. Review status: criteria provided, single submitter. Criteria: ARUP Molecular Germline Variant Investigation Process 2024. Collection method: clinical testing. Allele origin: germline.

GeneDx
Classification: Benign. Last evaluated: 2018-05-29. Review status: criteria provided, single submitter. Criteria: GeneDx Variant Classification (06012015). Collection method: clinical testing. Allele origin: germline. Affected: yes.
Comment: This variant is considered likely benign or benign based on one or more of the following criteria: it is a conservative change, it occurs at a poorly conserved position in the protein, it is predicted to be benign by multiple in silico algorithms, and/or has population frequency not consistent with disease.

Illumina Laboratory Services, Illumina
Classification: Benign for Crouzon syndrome. Last evaluated: 2018-01-13. Review status: criteria provided, single submitter. Criteria: ICSL Variant Classification Criteria 13 December 2019. Collection method: clinical testing. Allele origin: germline.
Comment: This variant was observed in the ICSL laboratory as part of a predisposition screen in an ostensibly healthy population. It had not been previously curated by ICSL or reported in the Human Gene Mutation Database (HGMD: prior to June 1st, 2018), and was therefore a candidate for classification through an automated scoring system. Utilizing variant allele frequency, disease prevalence and penetrance estimates, and inheritance mode, an automated score was calculated to assess if this variant is too frequent to cause the disease. Based on the score and internal cut-off values, a variant classified as benign is not then subjected to further curation. The score for this variant resulted in a classification of benign for this disease.

Illumina Laboratory Services, Illumina
Classification: Likely benign for Isolated coronal synostosis. Last evaluated: 2018-01-13. Review status: criteria provided, single submitter. Criteria: ICSL Variant Classification Criteria 13 December 2019. Collection method: clinical testing. Allele origin: germline.
Comment: This variant was observed in the ICSL laboratory as part of a predisposition screen in an ostensibly healthy population. It had not been previously curated by ICSL or reported in the Human Gene Mutation Database (HGMD: prior to June 1st, 2018), and was therefore a candidate for classification through an automated scoring system. Utilizing variant allele frequency, disease prevalence and penetrance estimates, and inheritance mode, an automated score was calculated to assess if this variant is too frequent to cause the disease. Based on the score and internal cut-off values, a variant classified as likely benign is not then subjected to further curation. The score for this variant resulted in a classification of likely benign for this disease.

Illumina Laboratory Services, Illumina
Classification: Benign for Saethre-Chotzen syndrome. Last evaluated: 2018-01-13. Review status: criteria provided, single submitter. Criteria: ICSL Variant Classification Criteria 13 December 2019. Collection method: clinical testing. Allele origin: germline.
Comment: the same text as in the submission from Illumina Laboratory Services, Illumina above.

Illumina Laboratory Services, Illumina
Classification: Benign for Craniosynostosis. Last evaluated: 2018-01-13. Review status: criteria provided, single submitter. Criteria: ICSL Variant Classification Criteria 13 December 2019. Collection method: clinical testing. Allele origin: germline.
Comment: the same text as in the submission from Illumina Laboratory Services, Illumina above.

Illumina Laboratory Services, Illumina
Classification: Benign for Beare-Stevenson cutis gyrata syndrome. Last evaluated: 2018-01-13. Review status: criteria provided, single submitter. Criteria: ICSL Variant Classification Criteria 13 December 2019. Collection method: clinical testing. Allele origin: germline.
Comment: the same text as in the submission from Illumina Laboratory Services, Illumina above.

Genetic Services Laboratory, University of Chicago
Classification: Likely benign. Last evaluated: 2017-02-02. Review status: criteria provided, single submitter. Criteria: ACMG Guidelines, 2015. Collection method: clinical testing. Allele origin: germline. Affected: no.

Eurofins Ntd Llc (ga)
Classification: Benign. Last evaluated: 2015-05-13. Review status: criteria provided, single submitter. Criteria: EGL Classification Definitions 2015. Collection method: clinical testing. Allele origin: germline. Observed: 1 variant allele, 1 heterozygote.

Breakthrough Genomics
Classification: Likely benign. Review status: criteria provided, single submitter. Criteria: ACMG Guidelines, 2015. Collection method: not provided. Allele origin: germline. Inheritance: Autosomal dominant inheritance. Affected: yes.

NM_000141.5(FGFR2):c.159G>A (p.Ala53=)

Gene: FGFR2 (fibroblast growth factor receptor 2; minus strand). Cytogenetic location: 10q26.13.
Variant type: single nucleotide variant.
Coding change: c.159G>A on transcript NM_000141.5 (MANE Select); coding-DNA position 159, G replaced by A.
Protein change: p.Ala53=; no amino-acid change (alanine 53 retained).
Molecular consequence: synonymous variant. On other transcripts: intron variant (9).
Genome position (GRCh38, 1-based): chr10:121,565,655, C>T on the plus strand (G>A on the coding strand, the complement: FGFR2 is on the minus strand). VCF-style: chr10-121565655-C-T. GRCh37 (hg19) VCF-style: chr10-123325169-C-T.
Other names: c.159G>A, p.Ala53= (NM_001144913.1, NM_001144914.1, NM_001144917.2 and 3 more transcripts); c.110-14196G>A (NM_001144918.2, NM_001441091.1, NM_001441090.1 and 1 more transcripts); c.110-1076G>A (NM_001441089.1, NM_023029.3, NM_001441088.1 and 2 more transcripts).
Identifiers: ClinVar variation 196218 (VCV000196218.72), dbSNP rs1047102, ClinGen allele CA202216.